The following is an entry in ClinVar:

NM_182972.3(IRF2BP2):c.877T>C (p.Ser293Pro)

Gene: IRF2BP2 (interferon regulatory factor 2 binding protein 2; minus strand). Cytogenetic location: 1q42.3.
Variant type: single nucleotide variant.
Coding change: c.877T>C on transcript NM_182972.3 (MANE Select); coding-DNA position 877, T replaced by C.
Protein change: p.Ser293Pro; replaces serine 293 with proline.
Molecular consequence: missense variant.
Genome position (GRCh38, 1-based): chr1:234,608,618, A>G on the plus strand (T>C on the coding strand, the complement: IRF2BP2 is on the minus strand). VCF-style: chr1-234608618-A-G. GRCh37 (hg19) VCF-style: chr1-234744364-A-G.
Other names: c.877T>C, p.Ser293Pro (NM_001077397.1); short protein forms S293P.
Identifiers: ClinVar variation 3530000 (VCV003530000.4).

ClinVar aggregate classification (germline): Conflicting classifications of pathogenicity. Review status: criteria provided, conflicting classifications (1 of 4 stars). 3 submissions from 3 submitters: Uncertain significance (1); Likely benign (2). Last evaluated 2025-05-21.

Submissions (3):

Labcorp Genetics (formerly Invitae), Labcorp
Classification: Uncertain significance. Last evaluated: 2025-05-21. Review status: criteria provided, single submitter. Criteria: Invitae Variant Classification Sherloc (09022015). Collection method: clinical testing. Allele origin: germline.
Comment: This sequence change replaces serine, which is neutral and polar, with proline, which is neutral and non-polar, at codon 293 of the IRF2BP2 protein (p.Ser293Pro). This variant is present in population databases (rs149509150, gnomAD 0.06%). This variant has not been reported in the literature in individuals affected with IRF2BP2-related conditions. ClinVar contains an entry for this variant (Variation ID: 3530000). An algorithm developed to predict the effect of missense changes on protein structure and function outputs the following: PolyPhen-2: "Benign". The proline amino acid residue is found in multiple mammalian species, which suggests that this missense change does not adversely affect protein function. In summary, the available evidence is currently insufficient to determine the role of this variant in disease. Therefore, it has been classified as a Variant of Uncertain Significance.

Ambry Genetics
Classification: Likely benign. Last evaluated: 2024-07-16. Review status: criteria provided, single submitter. Criteria: Ambry Variant Classification Scheme 2023. Collection method: clinical testing. Allele origin: germline.

Blueprint Genetics
Classification: Likely benign. Last evaluated: 2022-07-11. Review status: criteria provided, single submitter. Criteria: ACMG Guidelines, 2015. Collection method: clinical testing. Allele origin: germline.